The following is an entry in ClinVar:

NM_001308068.2(FLYWCH1):c.2139C>T (p.Gly713=)

Genes: FLYWCH1 (FLYWCH-type zinc finger 1; plus strand), FLYWCH1-AS1 (FLYWCH1 antisense RNA 1; minus strand). Cytogenetic location: 16p13.3.
Variant type: single nucleotide variant.
Coding change: c.2139C>T on transcript NM_001308068.2 (MANE Select); coding-DNA position 2139, C replaced by T.
Protein change: p.Gly713=; no amino-acid change (glycine 713 retained).
Molecular consequence: synonymous variant.
Genome position (GRCh38, 1-based): chr16:2,948,715, C>T. VCF-style: chr16-2948715-C-T. GRCh37 (hg19) VCF-style: chr16-2998716-C-T.
Other names: c.2136C>T, p.Gly712= (NM_032296.3).
Identifiers: ClinVar variation 2646092 (VCV002646092.24), dbSNP rs200929784, ClinGen allele CA7852625.

ClinVar aggregate classification (germline): Likely benign (1 of 4 stars; one submission).

Allele frequency attached by ClinVar (database versions not stated): 1000 Genomes Project 0.00080; 1000 Genomes Project 30x 0.00125; ExAC 0.00159; TOPMed 0.00193; gnomAD 0.00209; ESP Exome Variant Server 0.00247; gnomAD exomes 0.00317.
gnomAD v4.1: 4,967 of 1,613,796 alleles (0.31%); highest among the groups gnomAD compares: Non-Finnish European, 0.38%; 17 homozygotes.

Submission:

CeGaT Center for Human Genetics Tuebingen
Classification: Likely benign. Last evaluated: 2023-01-01. Review status: criteria provided, single submitter. Criteria: CeGaT Center For Human Genetics Tuebingen Variant Classification Criteria Version 2. Collection method: clinical testing. Allele origin: germline. Affected: yes. Observed: 1 variant allele.
Comment: FLYWCH1: BP4, BP7